The following is an entry in ClinVar:

NM_004380.3(CREBBP):c.5708C>T (p.Pro1903Leu)

Gene: CREBBP (CREB binding lysine acetyltransferase; minus strand). Cytogenetic location: 16p13.3.
Variant type: single nucleotide variant.
Coding change: c.5708C>T on transcript NM_004380.3 (MANE Select); coding-DNA position 5708, C replaced by T.
Protein change: p.Pro1903Leu; replaces proline 1903 with leucine.
Molecular consequence: missense variant.
Genome position (GRCh38, 1-based): chr16:3,729,339, G>A on the plus strand (C>T on the coding strand, the complement: CREBBP is on the minus strand). VCF-style: chr16-3729339-G-A. GRCh37 (hg19) VCF-style: chr16-3779340-G-A.
Other names: c.5594C>T, p.Pro1865Leu (NM_001079846.1); c.5708C>T (NM_004380.2); short protein forms P1865L, P1903L.
Identifiers: ClinVar variation 3580605 (VCV003580605.3).

ClinVar aggregate classification (germline): Uncertain significance. Review status: criteria provided, multiple submitters, no conflicts (2 of 4 stars). 3 submissions from 3 submitters: Uncertain significance (3). Last evaluated 2025-05-27.

Conditions:
Inborn genetic diseases. Identifiers: MedGen C0950123, MeSH D030342.
Rubinstein-Taybi syndrome due to CREBBP mutations (RSTS1). Also called: RUBINSTEIN-TAYBI SYNDROME 1, INCOMPLETE; BROAD THUMB-HALLUX SYNDROME; RUBINSTEIN SYNDROME; CREBBP-Related Rubinstein-Taybi Syndrome; Rubinstein-Taybi syndrome 1; BROAD THUMBS AND GREAT TOES, CHARACTERISTIC FACIES, AND IMPAIRED INTELLECTUAL DEVELOPMENT. Identifiers: Orphanet 353277, Orphanet 783, MedGen C4551859, MONDO:0008393, OMIM 180849.
Menke-Hennekam syndrome 1 (MKHK1). Identifiers: MedGen C5193034, MONDO:0020763, OMIM 618332.
Rubinstein-Taybi syndrome (RSTS). Identifiers: Orphanet 783, MedGen C0035934, MONDO:0019188.

gnomAD v4.1: 7 of 1,588,304 alleles (0.00044%); highest among the groups gnomAD compares: South Asian, 0.0011%; no homozygotes.

Submissions (3):

Labcorp Genetics (formerly Invitae), Labcorp
Classification: Uncertain significance for Rubinstein-Taybi syndrome. Last evaluated: 2025-05-27. Review status: criteria provided, single submitter. Criteria: Invitae Variant Classification Sherloc (09022015). Collection method: clinical testing. Allele origin: germline.
Comment: This sequence change replaces proline, which is neutral and non-polar, with leucine, which is neutral and non-polar, at codon 1903 of the CREBBP protein (p.Pro1903Leu). This variant is not present in population databases (gnomAD no frequency). This variant has not been reported in the literature in individuals affected with CREBBP-related conditions. ClinVar contains an entry for this variant (Variation ID: 3580605). Invitae Evidence Modeling of protein sequence and biophysical properties (such as structural, functional, and spatial information, amino acid conservation, physicochemical variation, residue mobility, and thermodynamic stability) has been performed for this missense variant. However, the output from this modeling did not meet the statistical confidence thresholds required to predict the impact of this variant on CREBBP protein function. In summary, the available evidence is currently insufficient to determine the role of this variant in disease. Therefore, it has been classified as a Variant of Uncertain Significance.

Ambry Genetics
Classification: Uncertain significance for Inborn genetic diseases. Last evaluated: 2025-02-22. Review status: criteria provided, single submitter. Criteria: Ambry Variant Classification Scheme 2023. Collection method: clinical testing. Allele origin: germline.

Fulgent Genetics
Classification: Uncertain significance for Rubinstein-Taybi syndrome due to CREBBP mutations; Menke-Hennekam syndrome 1. Last evaluated: 2023-12-24. Review status: criteria provided, single submitter. Criteria: ACMG Guidelines, 2015. Collection method: clinical testing. Allele origin: germline.